The following is an entry in ClinVar:

ClinVar aggregate classification (germline): Likely pathogenic (1 of 4 stars; one submission).

Allele frequency attached by ClinVar (database versions not stated): TOPMed below 0.00001.

Submission:

GeneDx
Classification: Likely pathogenic. Last evaluated: 2025-01-13. Review status: criteria provided, single submitter. Criteria: GeneDx Variant Classification Process June 2021. Collection method: clinical testing. Allele origin: germline. Affected: yes.
Comment: Not observed at significant frequency in large population cohorts (gnomAD); In silico analysis supports a deleterious effect on splicing; Has not been previously published as pathogenic or benign to our knowledge

NM_024570.4(RNASEH2B):c.511-13G>A

Gene: RNASEH2B (ribonuclease H2 subunit B; plus strand). Cytogenetic location: 13q14.3.
Variant type: single nucleotide variant.
Coding change: c.511-13G>A on transcript NM_024570.4 (MANE Select); 13 bases into the intron before coding-DNA position 511, G replaced by A.
Molecular consequence: intron variant.
Genome position (GRCh38, 1-based): chr13:50,945,414, G>A. VCF-style: chr13-50945414-G-A. GRCh37 (hg19) VCF-style: chr13-51519550-G-A.
Other names: c.511-13G>A (NM_001142279.2).
Identifiers: ClinVar variation 453022 (VCV000453022.3), dbSNP rs1342532406, ClinGen allele CA658658235.
Genomic context (GRCh38, chr13:50,945,414, plus strand): 5'-CCACCTATGAATTCATAGATTTCTAAAGTTAAGTTGAAAATACCCTGCCTTTCCCCTCTT[G>A]GTTGCTTCATAGGTTAATCAAACTGTGGCAGCATTAAAAACCAATAATGTGAATGTCAGT-3'